The following is an entry in ClinVar:

NM_001042681.2(RERE):c.2689T>A (p.Ser897Thr)

Gene: RERE (arginine-glutamic acid dipeptide repeats; minus strand). Cytogenetic location: 1p36.23.
Variant type: single nucleotide variant.
Coding change: c.2689T>A on transcript NM_001042681.2 (MANE Select); coding-DNA position 2689, T replaced by A.
Protein change: p.Ser897Thr; replaces serine 897 with threonine.
Molecular consequence: missense variant.
Genome position (GRCh38, 1-based): chr1:8,360,818, A>T on the plus strand (T>A on the coding strand, the complement: RERE is on the minus strand). VCF-style: chr1-8360818-A-T. GRCh37 (hg19) VCF-style: chr1-8420878-A-T.
Other names: c.1027T>A, p.Ser343Thr (NM_001042682.2); c.2689T>A, p.Ser897Thr (NM_012102.4); short protein forms S343T, S897T.
Identifiers: ClinVar variation 2429042 (VCV002429042.4), dbSNP rs1641540727, ClinGen allele CA338172105.

ClinVar aggregate classification (germline): Uncertain significance (1 of 4 stars; one submission).

Allele frequency attached by ClinVar (database versions not stated): gnomAD exomes below 0.00001; gnomAD 0.00001.
gnomAD v4.1: 2 of 1,561,416 alleles (0.00013%); highest among the groups gnomAD compares: African/African-American, 0.0027%; no homozygotes.

Submission:

Greenwood Genetic Center Diagnostic Laboratories, Greenwood Genetic Center
Classification: Uncertain significance. Last evaluated: 2022-12-19. Review status: criteria provided, single submitter. Criteria: ACMG Guidelines, 2015. Collection method: clinical testing. Allele origin: germline. Affected: yes.
Comment: PM2